The following is an entry in ClinVar:

ClinVar aggregate classification (germline): Uncertain significance (1 of 4 stars; one submission).

Submission:

Labcorp Genetics (formerly Invitae), Labcorp
Classification: Uncertain significance. Last evaluated: 2024-05-23. Review status: criteria provided, single submitter. Criteria: Invitae Variant Classification Sherloc (09022015). Collection method: clinical testing. Allele origin: germline.
Comment: This sequence change replaces arginine, which is basic and polar, with serine, which is neutral and polar, at codon 40 of the COL2A1 protein (p.Arg40Ser). This variant is not present in population databases (gnomAD no frequency). This variant has not been reported in the literature in individuals affected with COL2A1-related conditions. Advanced modeling of protein sequence and biophysical properties (such as structural, functional, and spatial information, amino acid conservation, physicochemical variation, residue mobility, and thermodynamic stability) performed at Invitae indicates that this missense variant is not expected to disrupt COL2A1 protein function with a negative predictive value of 95%. In summary, the available evidence is currently insufficient to determine the role of this variant in disease. Therefore, it has been classified as a Variant of Uncertain Significance.

NM_001844.5(COL2A1):c.120G>T (p.Arg40Ser)

Gene: COL2A1 (collagen type II alpha 1 chain; minus strand). Cytogenetic location: 12q13.11.
Variant type: single nucleotide variant.
Coding change: c.120G>T on transcript NM_001844.5 (MANE Select); coding-DNA position 120, G replaced by T.
Protein change: p.Arg40Ser; replaces arginine 40 with serine.
Molecular consequence: missense variant. On other transcripts: intron variant (1).
Genome position (GRCh38, 1-based): chr12:48,000,091, C>A on the plus strand (G>T on the coding strand, the complement: COL2A1 is on the minus strand). VCF-style: chr12-48000091-C-A. GRCh37 (hg19) VCF-style: chr12-48393874-C-A.
Other names: c.86-1660G>T (NM_033150.3); short protein forms R40S.
Identifiers: ClinVar variation 3635078 (VCV003635078.2).
Genomic context (GRCh38, chr12:48,000,091, plus strand): 5'-CCCAGTGTCACAGACACAGATCCGGCAGGGCTCCGGCTTCCACACATCCTTATCATTATA[C>A]CTCTGCCCATCCTGCACACAGCTGCCAGCCTCCTCTGCACCAAGGGTGGGGAGGGAGAAG-3'
Protein context (NP_001835.3, residues 30-50): EAGSCVQDGQ[Arg40Ser]YNDKDVWKPE